The following is an entry in ClinVar:

NM_006767.4(LZTR1):c.2116G>C (p.Val706Leu)

Gene: LZTR1 (leucine zipper like post translational regulator 1; plus strand). Cytogenetic location: 22q11.21.
Variant type: single nucleotide variant.
Coding change: c.2116G>C on transcript NM_006767.4 (MANE Select); coding-DNA position 2116, G replaced by C.
Protein change: p.Val706Leu; replaces valine 706 with leucine.
Molecular consequence: missense variant.
Genome position (GRCh38, 1-based): chr22:20,996,009, G>C. VCF-style: chr22-20996009-G-C. GRCh37 (hg19) VCF-style: chr22-21350298-G-C.
Other names: short protein forms V706L.
Identifiers: ClinVar variation 4101950 (VCV004101950.1).

ClinVar aggregate classification (germline): Uncertain significance (1 of 4 stars; one submission).

Conditions:
Cardiovascular phenotype. Identifiers: MedGen CN230736.
Hereditary cancer-predisposing syndrome. Also called: Tumor predisposition; Neoplastic Syndromes, Hereditary; Hereditary neoplastic syndrome; Hereditary Cancer Syndrome. Identifiers: Orphanet 140162, MedGen C0027672, MeSH D009386, MONDO:0015356.

gnomAD v4.1: 1 of 1,613,732 alleles (0.000062%); highest among the groups gnomAD compares: South Asian, 0.0011%; no homozygotes.

Submission:

Ambry Genetics
Classification: Uncertain significance for Cardiovascular phenotype; Hereditary cancer-predisposing syndrome. Last evaluated: 2025-09-01. Review status: criteria provided, single submitter. Criteria: Ambry Variant Classification Scheme 2023. Collection method: clinical testing. Allele origin: germline.
Comment: The p.V706L variant (also known as c.2116G>C), located in coding exon 18 of the LZTR1 gene, results from a G to C substitution at nucleotide position 2116. The valine at codon 706 is replaced by leucine, an amino acid with highly similar properties. This amino acid position is conserved. In addition, the in silico prediction for this alteration is inconclusive. Based on the available evidence, the clinical significance of this variant remains unclear.